The following is an entry in ClinVar:

ClinVar aggregate classification (germline): Uncertain significance (1 of 4 stars; one submission).

Conditions:
Combined oxidative phosphorylation defect type 14. Also called: Combined oxidative phosphorylation deficiency 14. Identifiers: Orphanet 319519, MedGen C4755312, MONDO:0013986, OMIM 614946.

Allele frequency attached by ClinVar (database versions not stated): gnomAD 0.00001.
gnomAD v4.1: 4 of 1,613,504 alleles (0.00025%); highest among the groups gnomAD compares: East Asian, 0.0022%; no homozygotes.

Submission:

Labcorp Genetics (formerly Invitae), Labcorp
Classification: Uncertain significance for Combined oxidative phosphorylation defect type 14. Last evaluated: 2025-06-29. Review status: criteria provided, single submitter. Criteria: Invitae Variant Classification Sherloc (09022015). Collection method: clinical testing. Allele origin: germline.
Comment: This sequence change replaces isoleucine, which is neutral and non-polar, with threonine, which is neutral and polar, at codon 388 of the FARS2 protein (p.Ile388Thr). This variant is present in population databases (no rsID available, gnomAD 0.006%). This variant has not been reported in the literature in individuals affected with FARS2-related conditions. ClinVar contains an entry for this variant (Variation ID: 1493784). Invitae Evidence Modeling of protein sequence and biophysical properties (such as structural, functional, and spatial information, amino acid conservation, physicochemical variation, residue mobility, and thermodynamic stability) indicates that this missense variant is not expected to disrupt FARS2 protein function with a negative predictive value of 80%. In summary, the available evidence is currently insufficient to determine the role of this variant in disease. Therefore, it has been classified as a Variant of Uncertain Significance.

NM_006567.5(FARS2):c.1163T>C (p.Ile388Thr)

Gene: FARS2 (phenylalanyl-tRNA synthetase 2, mitochondrial; plus strand). Cytogenetic location: 6p25.1.
Variant type: single nucleotide variant.
Coding change: c.1163T>C on transcript NM_006567.5 (MANE Select); coding-DNA position 1163, T replaced by C.
Protein change: p.Ile388Thr; replaces isoleucine 388 with threonine.
Molecular consequence: missense variant.
Genome position (GRCh38, 1-based): chr6:5,613,266, T>C. VCF-style: chr6-5613266-T-C. GRCh37 (hg19) VCF-style: chr6-5613499-T-C.
Other names: c.1163T>C, p.Ile388Thr (NM_001318872.2, NM_001374875.1, NM_001374876.1 and 4 more transcripts); c.1031T>C, p.Ile344Thr (NM_001375258.1); c.467T>C, p.Ile156Thr (NM_001375259.1, NM_001375260.1); short protein forms I156T, I388T, I344T.
Identifiers: ClinVar variation 1493784 (VCV001493784.7), dbSNP rs1407198979, ClinGen allele CA362736963.